The following is an entry in ClinVar:

NM_000090.4(COL3A1):c.799-6del

Gene: COL3A1 (collagen type III alpha 1 chain; plus strand). Cytogenetic location: 2q32.2.
Variant type: Deletion.
Coding change: c.799-6del on transcript NM_000090.4 (MANE Select); 6 bases into the intron before coding-DNA position 799, one base deleted (T; older notation c.799-6delT).
Molecular consequence: intron variant.
Genome position (GRCh38, 1-based): chr2:188,990,998, T deleted; the last of 3 consecutive T bases (chr2:188,990,996-188,990,998); deleting any one gives the same sequence. VCF-style (leftmost placement, unchanged base first): chr2-188990995-AT-A. GRCh37 (hg19) VCF-style: chr2-189855721-AT-A.
Other names: c.799-6delT (NM_000090.3).
Identifiers: ClinVar variation 529337 (VCV000529337.22), dbSNP rs767927599, ClinGen allele CA62592319.
Genomic context (GRCh38, chr2:188,990,995, plus strand): 5'-TAAACTTTATCAATCATTCTAGATTATTAACAGATTTTAATAATTTTGCTGGTTTTATAC[AT>A]TTCCTAGGGCTTCGATGGACGAAATGGAGAAAAGGGTGAAACAGGTGCTCCTGGATTAAA-3'

ClinVar aggregate classification (germline): Conflicting classifications of pathogenicity. Review status: criteria provided, conflicting classifications (1 of 4 stars). 7 submissions from 7 submitters: Uncertain significance (1); Benign (2); Likely benign (4). Last evaluated 2026-01-12.

Conditions:
Ehlers-Danlos syndrome (EDS). Identifiers: Orphanet 98249, MedGen C0013720, MONDO:0020066.
Ehlers-Danlos syndrome, type 4 (EDSVASC). Also called: Ehlers-Danlos syndrome vascular type; Ehlers Danlos syndrome, ecchymotic type; Ehlers Danlos syndrome, arterial type; Ehlers Danlos syndrome, Sack-Barabas type; Ehlers-Danlos Syndrome Type IV. Identifiers: Orphanet 286, MedGen C0268338, MONDO:0017314, OMIM 130050.
Familial thoracic aortic aneurysm and aortic dissection (TAAD). Also called: Thoracic aortic aneurysms and dissections. Identifiers: Orphanet 91387, MedGen C4707243, MONDO:0019625.

Submissions (7):

Labcorp Genetics (formerly Invitae), Labcorp
Classification: Benign for Ehlers-Danlos syndrome, type 4. Last evaluated: 2026-01-12. Review status: criteria provided, single submitter. Criteria: Invitae Variant Classification Sherloc (09022015). Collection method: clinical testing. Allele origin: germline.

All of Us Research Program, National Institutes of Health
Classification: Likely benign for Ehlers-Danlos syndrome, type 4. Last evaluated: 2024-09-23. Review status: criteria provided, single submitter. Criteria: ACMG Guidelines, 2015. Collection method: clinical testing. Allele origin: germline. Inheritance: Autosomal dominant inheritance. Observed: 22 variant alleles, 21 heterozygotes, 1 homozygote.
Comment: This study involves interpretation of variants in research participants for the purpose of population health screening. Participant phenotype was not available at the time of variant classification. Additional details can be found in publication PMID: 35346344, PMCID: PMC8962531

Blueprint Genetics
Classification: Likely benign. Last evaluated: 2024-06-19. Review status: criteria provided, single submitter. Criteria: ACMG Guidelines, 2015. Collection method: clinical testing. Allele origin: germline.

Genome Diagnostics Laboratory, The Hospital for Sick Children
Classification: Uncertain significance for Ehlers-Danlos syndrome. Last evaluated: 2021-01-05. Review status: criteria provided, single submitter. Criteria: ACMG Guidelines, 2015. Collection method: clinical testing. Allele origin: germline.

CHEO Genetics Diagnostic Laboratory, Children's Hospital of Eastern Ontario
Classification: Likely benign for Familial thoracic aortic aneurysm and aortic dissection. Last evaluated: 2019-12-10. Review status: criteria provided, single submitter. Criteria: ACMG Guidelines, 2015. Collection method: clinical testing. Allele origin: germline.

Color Diagnostics, LLC DBA Color Health
Classification: Likely benign for Familial thoracic aortic aneurysm and aortic dissection. Last evaluated: 2018-09-29. Review status: criteria provided, single submitter. Criteria: ACMG Guidelines, 2015. Collection method: clinical testing. Allele origin: germline.

GeneDx
Classification: Benign. Last evaluated: 2017-09-21. Review status: criteria provided, single submitter. Criteria: GeneDx Variant Classification Process June 2021. Collection method: clinical testing. Allele origin: germline. Affected: yes.